The following is an entry in ClinVar:

NM_006231.4(POLE):c.1305T>C (p.Asp435=)

Gene: POLE (DNA polymerase epsilon, catalytic subunit; minus strand). Cytogenetic location: 12q24.33.
Variant type: single nucleotide variant.
Coding change: c.1305T>C on transcript NM_006231.4 (MANE Select); coding-DNA position 1305, T replaced by C.
Protein change: p.Asp435=; no amino-acid change (aspartic acid 435 retained).
Molecular consequence: synonymous variant.
Genome position (GRCh38, 1-based): chr12:132,673,629, A>G on the plus strand (T>C on the coding strand, the complement: POLE is on the minus strand). VCF-style: chr12-132673629-A-G. GRCh37 (hg19) VCF-style: chr12-133250215-A-G.
Identifiers: ClinVar variation 3904127 (VCV003904127.1).

ClinVar aggregate classification (germline): Benign (1 of 4 stars; one submission).

Conditions:
Colorectal cancer, susceptibility to, 12 (CRCS12). Also called: COLORECTAL CANCER, SUSCEPTIBILITY TO, ON CHROMOSOME 12q24. Identifiers: Orphanet 220460, MedGen C3554460, MONDO:0014038, OMIM 615083.

Submission:

Myriad Genetics, Inc.
Classification: Benign for Colorectal cancer, susceptibility to, 12. Last evaluated: 2025-02-10. Review status: criteria provided, single submitter. Criteria: Myriad Autosomal Dominant, Autosomal Recessive and X-Linked Classification Criteria (2023). Collection method: clinical testing. Allele origin: unknown.
Comment: This variant is considered benign. This variant is a silent/synonymous amino acid change and it is not expected to impact splicing.